The following is an entry in ClinVar:

ClinVar aggregate classification (germline): Conflicting classifications of pathogenicity. Review status: criteria provided, conflicting classifications (1 of 4 stars). 6 submissions from 6 submitters: Pathogenic (2); Uncertain significance (3). 1 of the submissions does not count toward it. Last evaluated 2025-03-04.

Conditions:
Pheochromocytoma. Also called: MAX-Related Hereditary Paraganglioma-Pheochromocytoma Syndrome. Identifiers: Orphanet 29072, MedGen C0031511, MONDO:0008233, OMIM 171300, HP:0002666.
Gastrointestinal stromal tumor. Also called: Gastrointestinal stroma tumor; Gastrointestinal stromal tumor, somatic. Identifiers: Orphanet 44890, MedGen C0238198, MeSH D046152, MONDO:0011719, OMIM 606764, HP:0100723.
Pheochromocytoma/paraganglioma syndrome 4. Also called: SDHB-Related Hereditary Paraganglioma-Pheochromocytoma Syndrome; Paragangliomas 4; PARAGANGLIOMA, FAMILIAL MALIGNANT; PARAGANGLIOMAS, HEREDITARY EXTRAADRENAL; PHEOCHROMOCYTOMA, FAMILIAL EXTRAADRENAL; CAROTID BODY TUMORS AND MULTIPLE EXTRAADRENAL PHEOCHROMOCYTOMAS. Identifiers: Orphanet 29072, MedGen C1861848, MONDO:0007273, OMIM 115310.
Hereditary cancer-predisposing syndrome. Also called: Neoplastic Syndromes, Hereditary; Tumor predisposition; Hereditary neoplastic syndrome; Hereditary Cancer Syndrome. Identifiers: Orphanet 140162, MedGen C0027672, MeSH D009386, MONDO:0015356.
Mitochondrial complex 2 deficiency, nuclear type 4. Also called: MITOCHONDRIAL COMPLEX II DEFICIENCY, NUCLEAR TYPE 4. Identifiers: MedGen C5543176, MONDO:0030974, OMIM 619224.
Cowden syndrome (CS). Also called: Cowden's disease; Cowden's syndrome; Cowden disease. Identifiers: Orphanet 201, MedGen C0018553, MONDO:0016063. Disease mechanism: gain of function.

Allele frequency attached by ClinVar (database versions not stated): gnomAD exomes below 0.00001; TOPMed below 0.00001; ExAC 0.00001; gnomAD 0.00001.
gnomAD v4.1: 2 of 1,608,612 alleles (0.00012%); highest among the groups gnomAD compares: Non-Finnish European, 0.00017%; no homozygotes.

Submissions (6):

Center for Genomic Medicine, Rigshospitalet, Copenhagen University Hospital
Classification: Pathogenic. Last evaluated: 2025-03-04. Review status: criteria provided, single submitter. Criteria: ACMG Guidelines, 2015. Collection method: clinical testing. Allele origin: germline.

Department of Clinical Genetics, Copenhagen University Hospital, Rigshospitalet
Classification: Pathogenic for Mitochondrial complex 2 deficiency, nuclear type 4. Last evaluated: 2025-01-24. Review status: criteria provided, single submitter. Criteria: ACMG Guidelines, 2015. Collection method: clinical testing. Allele origin: germline.

Labcorp Genetics (formerly Invitae), Labcorp
Classification: Uncertain significance for Gastrointestinal stromal tumor; Pheochromocytoma/paraganglioma syndrome 4; Pheochromocytoma. Last evaluated: 2024-05-04. Review status: criteria provided, single submitter. Criteria: Invitae Variant Classification Sherloc (09022015). Collection method: clinical testing. Allele origin: germline.
Comment: This sequence change replaces leucine, which is neutral and non-polar, with valine, which is neutral and non-polar, at codon 257 of the SDHB protein (p.Leu257Val). This variant is present in population databases (rs761350633, gnomAD 0.0009%). This missense change has been observed in individual(s) with clinical features of mitochondrial complex II deficiency (PMID: 27604842, 34490615). ClinVar contains an entry for this variant (Variation ID: 584582). Advanced modeling of protein sequence and biophysical properties (such as structural, functional, and spatial information, amino acid conservation, physicochemical variation, residue mobility, and thermodynamic stability) performed at Invitae indicates that this missense variant is expected to disrupt SDHB protein function with a positive predictive value of 80%. In summary, the available evidence is currently insufficient to determine the role of this variant in disease. Therefore, it has been classified as a Variant of Uncertain Significance.

Ambry Genetics
Classification: Uncertain significance for Hereditary cancer-predisposing syndrome. Last evaluated: 2024-04-02. Review status: criteria provided, single submitter. Criteria: Ambry Variant Classification Scheme 2023. Collection method: clinical testing. Allele origin: germline.
Comment: The p.L257V variant (also known as c.769C>G), located in coding exon 8 of the SDHB gene, results from a C to G substitution at nucleotide position 769. The leucine at codon 257 is replaced by valine, an amino acid with highly similar properties. This alteration has been identified as homozygous in patients with mitochondrial complex II deficiency (Gr&oslash;nborg S et al. JIMD Rep, 2017 Sep;33:69-77; van der Ven AT et al. Clin Genet, 2021 Dec;100:766-770). This amino acid position is highly conserved in available vertebrate species. In addition, this alteration is predicted to be deleterious by in silico analysis. Based on the majority of available evidence to date, this variant is lexpected to be causative of autosomal recessive mitochondrial complex II deficiency when present along with a second likely pathogenic/pathogenic variant on the other allele; however, its clinical significance in regards to autosomal dominant paraganglioma-pheochromocytoma syndrome is unclear.

Mendelics
Classification: Uncertain significance for COWDEN SYNDROME 2. Last evaluated: 2018-07-02. Review status: criteria provided, single submitter. Criteria: Mendelics Assertion Criteria 2017. Collection method: clinical testing. Allele origin: unknown.

OMIM
Classification: Pathogenic for MITOCHONDRIAL COMPLEX II DEFICIENCY, NUCLEAR TYPE 4. Last evaluated: 2021-03-08. Review status: no assertion criteria provided. Collection method: literature only. Allele origin: germline. Not counted in ClinVar's aggregate classification.

Literature cited by the submitters: PubMed 27604842 (cited by 5 submitters); PubMed 22972948 (cited by Center for Genomic Medicine, Rigshospitalet, Copenhagen University Hospital); PubMed 34490615 (cited by Labcorp Genetics (formerly Invitae), Labcorp and Ambry Genetics).

NM_003000.3(SDHB):c.769C>G (p.Leu257Val)

Gene: SDHB (succinate dehydrogenase complex iron sulfur subunit B; minus strand). Cytogenetic location: 1p36.13.
Variant type: single nucleotide variant.
Coding change: c.769C>G on transcript NM_003000.3 (MANE Select); coding-DNA position 769, C replaced by G.
Protein change: p.Leu257Val; replaces leucine 257 with valine.
Molecular consequence: missense variant.
Genome position (GRCh38, 1-based): chr1:17,018,955, G>C on the plus strand (C>G on the coding strand, the complement: SDHB is on the minus strand). VCF-style: chr1-17018955-G-C. GRCh37 (hg19) VCF-style: chr1-17345450-G-C.
Other names: short protein forms L257V.
Identifiers: ClinVar variation 584582 (VCV000584582.18), dbSNP rs761350633, ClinGen allele CA089764.